The following is an entry in ClinVar:

ClinVar aggregate classification (germline): Likely pathogenic (1 of 4 stars; one submission).

Conditions:
Hyperinsulinemic hypoglycemia, familial, 1 (HHF1). Also called: Persistent hyperinsulinemic hypoglycemia of infancy; HYPERINSULINISM, FAMILIAL, WITH PANCREATIC NESIDIOBLASTOSIS; HYPOGLYCEMIA, HYPERINSULINEMIC, OF INFANCY; NESIDIOBLASTOSIS OF PANCREAS; Persistent Hyperinsulinemia Hypoglycemia of Infancy. Identifiers: Orphanet 276575, Orphanet 276598, MedGen C2931832, MONDO:0009734, OMIM 256450.

Submission:

Myriad Genetics, Inc.
Classification: Likely pathogenic for Hyperinsulinemic hypoglycemia, familial, 1. Last evaluated: 2022-05-20. Review status: criteria provided, single submitter. Criteria: Myriad Women's Health Autosomal Recessive and X-Linked Classification Criteria (2021). Collection method: clinical testing. Allele origin: unknown.
Comment: NM_000352.3(ABCC8):c.966delG(I323Sfs*36) is expected to be pathogenic in the context of familial hyperinsulinism, ABCC8-related. This variant is predicted to lead to an abnormal or absent protein product due to the creation of a premature termination codon in ABCC8, a gene where loss-of-function variants are known to be pathogenic. Please note: this variant was assessed in the context of healthy population screening.

NM_000352.6(ABCC8):c.966del (p.Ile323fs)

Gene: ABCC8 (ATP binding cassette subfamily C member 8; minus strand). Cytogenetic location: 11p15.1.
Variant type: Deletion.
Coding change: c.966del on transcript NM_000352.6 (MANE Select); coding-DNA position 966, one base deleted (G; older notation c.966delG).
Protein change: p.Ile323fs; shifts the reading frame from isoleucine 323.
Molecular consequence: frameshift variant. On other transcripts: non-coding transcript variant (1).
Genome position (GRCh38, 1-based): chr11:17,460,533, C deleted on the plus strand (G on the coding strand, the reverse complement: ABCC8 is on the minus strand); the first of 3 consecutive C bases (chr11:17,460,533-17,460,535); deleting any one gives the same sequence. VCF-style (leftmost placement, unchanged base first): chr11-17460532-TC-T. GRCh37 (hg19) VCF-style: chr11-17482079-TC-T.
Other names: c.966del, p.Ile323fs (NM_001287174.3, NM_001351295.2); c.963del, p.Ile322fs (NM_001351296.2, NM_001351297.2); short protein forms I322fs, I323fs.
Identifiers: ClinVar variation 1726182 (VCV001726182.2), dbSNP rs2496844281, ClinGen allele CA2580082767.